The following is an entry in ClinVar:

NM_001368894.2(PAX6):c.530_531del (p.Tyr177fs)

Gene: PAX6 (paired box 6; minus strand). Cytogenetic location: 11p13.
Variant type: Deletion.
Coding change: c.530_531del on transcript NM_001368894.2 (MANE Select); coding-DNA positions 530 to 531, 2 bases deleted (AT; older notation c.530_531delAT).
Protein change: p.Tyr177fs; shifts the reading frame from tyrosine 177.
Molecular consequence: frameshift variant. On other transcripts: non-coding transcript variant (2).
Genome position (GRCh38, 1-based): chr11:31,800,725-31,800,726, AT deleted on the plus strand (AT on the coding strand, the reverse complement: PAX6 is on the minus strand); deleting any 2 consecutive bases within chr11:31,800,725-31,800,727 gives the same sequence; the c. name uses the placement nearest the transcript's 3' end. VCF-style (leftmost placement, unchanged base first): chr11-31800724-GAT-G. GRCh37 (hg19) VCF-style: chr11-31822272-GAT-G.
Other names: c.488_489del, p.Tyr163fs (NM_000280.6, NM_001127612.3, NM_001258464.2 and 10 more transcripts); c.530_531del, p.Tyr177fs (NM_001258462.3, NM_001258463.2, NM_001310158.2 and 6 more transcripts); c.80_81del, p.Tyr27fs (NM_001310160.2, NM_001310161.3, NM_001368899.2 and 11 more transcripts); c.731_732del, p.Tyr244fs (NM_001368910.2); c.533_534del, p.Tyr178fs (NM_001368911.2); c.605_606del, p.Tyr202fs (NM_001368918.2, NM_001368919.2); c.563_564del, p.Tyr188fs (NM_001368920.2); c.329_330del, p.Tyr110fs (NM_001368921.2, NM_001368922.2, NM_001368923.2 and 4 more transcripts); and 1 more; short protein forms Y110fs, Y177fs, Y188fs, Y27fs, Y202fs, Y96fs, Y163fs, Y178fs.
Identifiers: ClinVar variation 4787129 (VCV004787129.1).

ClinVar aggregate classification (germline): Pathogenic (1 of 4 stars; one submission).

Conditions:
Aniridia 1 (AN1). Identifiers: Orphanet 250923, MedGen C0344542, MONDO:0024507, OMIM 106210.
Irido-corneo-trabecular dysgenesis (ASGD5). Also called: ANTERIOR SEGMENT DYSGENESIS 5. Identifiers: Orphanet 708, MedGen C0344559, MONDO:0011414, OMIM 604229, HP:0000659.

Submission:

Labcorp Genetics (formerly Invitae), Labcorp
Classification: Pathogenic for Aniridia 1; Irido-corneo-trabecular dysgenesis. Last evaluated: 2025-12-24. Review status: criteria provided, single submitter. Criteria: Invitae Variant Classification Sherloc (09022015). Collection method: clinical testing. Allele origin: germline.
Comment: This sequence change creates a premature translational stop signal (p.Tyr163Serfs*36) in the PAX6 gene. It is expected to result in an absent or disrupted protein product. Loss-of-function variants in PAX6 are known to be pathogenic (PMID: 12634864). This variant is not present in population databases (gnomAD no frequency). This variant has not been reported in the literature in individuals affected with PAX6-related conditions. For these reasons, this variant has been classified as Pathogenic.

Literature cited by the submitters: PubMed 12634864.